The following is an entry in ClinVar:

ClinVar aggregate classification (germline): Pathogenic/Likely pathogenic. Review status: criteria provided, multiple submitters, no conflicts (2 of 4 stars). 4 submissions from 4 submitters: Pathogenic (3); Likely pathogenic (1). Last evaluated 2025-10-27.

Conditions:
Pheochromocytoma/paraganglioma syndrome 5. Also called: Paragangliomas 5; SDHA-Related Hereditary Paraganglioma-Pheochromocytoma Syndrome. Identifiers: Orphanet 29072, MedGen C3279992, MONDO:0013602, OMIM 614165.
Hereditary cancer-predisposing syndrome. Also called: Tumor predisposition; Hereditary neoplastic syndrome; Neoplastic Syndromes, Hereditary; Hereditary Cancer Syndrome. Identifiers: Orphanet 140162, MedGen C0027672, MeSH D009386, MONDO:0015356.
Mitochondrial complex II deficiency, nuclear type 1. Also called: SUCCINATE CoQ REDUCTASE DEFICIENCY. Identifiers: Orphanet 3208, MedGen C5700310, MONDO:0100294, OMIM 252011.

gnomAD v4.1: 3 of 1,613,958 alleles (0.00019%); highest among the groups gnomAD compares: African/African-American, 0.0027%; no homozygotes.

Submissions (4):

Labcorp Genetics (formerly Invitae), Labcorp
Classification: Pathogenic for Pheochromocytoma/paraganglioma syndrome 5; Mitochondrial complex II deficiency, nuclear type 1. Last evaluated: 2025-10-27. Review status: criteria provided, single submitter. Criteria: Invitae Variant Classification Sherloc (09022015). Collection method: clinical testing. Allele origin: germline.
Comment: This sequence change creates a premature translational stop signal (p.Glu152*) in the SDHA gene. It is expected to result in an absent or disrupted protein product. Loss-of-function variants in SDHA are known to be pathogenic (PMID: 22974104, 24781757). This variant is present in population databases (no rsID available, gnomAD 0.01%). This variant has not been reported in the literature in individuals affected with SDHA-related conditions. ClinVar contains an entry for this variant (Variation ID: 1071454). For these reasons, this variant has been classified as Pathogenic.

Ambry Genetics
Classification: Pathogenic for Hereditary cancer-predisposing syndrome. Last evaluated: 2025-05-21. Review status: criteria provided, single submitter. Criteria: Ambry Variant Classification Scheme 2023. Collection method: clinical testing. Allele origin: germline.
Comment: The p.E152* pathogenic mutation (also known as c.454G>T), located in coding exon 4 of the SDHA gene, results from a G to T substitution at nucleotide position 454. This changes the amino acid from a glutamic acid to a stop codon within coding exon 4. This alteration is expected to result in loss of function by premature protein truncation or nonsense-mediated mRNA decay. As such, this alteration is interpreted as a disease-causing mutation.

Myriad Genetics, Inc.
Classification: Pathogenic for Pheochromocytoma/paraganglioma syndrome 5. Last evaluated: 2024-12-13. Review status: criteria provided, single submitter. Criteria: Myriad Autosomal Dominant, Autosomal Recessive and X-Linked Classification Criteria (2023). Collection method: clinical testing. Allele origin: unknown.
Comment: This variant is considered pathogenic. This variant creates a termination codon and is predicted to result in premature protein truncation.

Institute for Genomic Medicine (IGM) Clinical Laboratory, Nationwide Children's Hospital
Classification: Likely pathogenic for Pheochromocytoma/paraganglioma syndrome 5. Last evaluated: 2024-02-29. Review status: criteria provided, single submitter. Criteria: ACMG Guidelines, 2015. Collection method: clinical testing. Allele origin: germline.
Comment: This variant is predicted to result in loss of function through nonsense-mediated decay of the encoded transcript or premature truncation of the encoded protein in a gene in which loss of function is a known mechanism of disease (ACMG/AMP: PVS1). This variant is absent from or present at an exceedingly low frequency in gnomAD, a large-scale control population database (ACMG/AMP: PM2).

Literature cited by the submitters: PubMed 22974104 (cited by Labcorp Genetics (formerly Invitae), Labcorp); PubMed 24781757 (cited by Labcorp Genetics (formerly Invitae), Labcorp).

NM_004168.4(SDHA):c.454G>T (p.Glu152Ter)

Gene: SDHA (succinate dehydrogenase complex flavoprotein subunit A; plus strand). Cytogenetic location: 5p15.33.
Variant type: single nucleotide variant.
Coding change: c.454G>T on transcript NM_004168.4 (MANE Select); coding-DNA position 454, G replaced by T.
Protein change: p.Glu152Ter; replaces glutamic acid 152 with a stop codon.
Molecular consequence: nonsense. On other transcripts: intron variant (1).
Genome position (GRCh38, 1-based): chr5:225,560, G>T. VCF-style: chr5-225560-G-T. GRCh37 (hg19) VCF-style: chr5-225675-G-T.
Other names: c.454G>T, p.Glu152Ter (NM_001330758.2); c.313-323G>T (NM_001294332.2); short protein forms E152*.
Identifiers: ClinVar variation 1071454 (VCV001071454.17), dbSNP rs778737664, ClinGen allele CA359009711.
Genomic context (GRCh38, chr5:225,560, plus strand): 5'-TGGCTGGGGGACCAGGATGCCATCCACTACATGACGGAGCAGGCCCCCGCCGCCGTGGTC[G>T]AGGTGATGGGCGGGAGGCTCTGGGTGTTCTCGTGGTCTGTTTCTAGTACAAAAGAATCCT-3'